The following is an entry in ClinVar:

NM_001458.5(FLNC):c.3184C>T (p.Pro1062Ser)

Gene: FLNC (filamin C; plus strand). Cytogenetic location: 7q32.1.
Variant type: single nucleotide variant.
Coding change: c.3184C>T on transcript NM_001458.5 (MANE Select); coding-DNA position 3184, C replaced by T.
Protein change: p.Pro1062Ser; replaces proline 1062 with serine.
Molecular consequence: missense variant.
Genome position (GRCh38, 1-based): chr7:128,844,258, C>T. VCF-style: chr7-128844258-C-T. GRCh37 (hg19) VCF-style: chr7-128484312-C-T.
Other names: c.3184C>T, p.Pro1062Ser (NM_001127487.2); short protein forms P1062S.
Identifiers: ClinVar variation 5008599 (VCV005008599.1).

ClinVar aggregate classification (germline): Uncertain significance (1 of 4 stars; one submission).

Submission:

GeneDx
Classification: Uncertain significance. Last evaluated: 2026-03-11. Review status: criteria provided, single submitter. Criteria: GeneDx Variant Classification Process June 2021. Collection method: clinical testing. Allele origin: germline.
Comment: Not observed at significant frequency in large population cohorts (gnomAD); In silico analysis supports that this missense variant has a deleterious effect on protein structure/function; Has not been previously published as pathogenic or benign to our knowledge